The following is an entry in ClinVar:

NM_002340.6(LSS):c.2148C>T (p.Leu716=)

Gene: LSS (lanosterol synthase; minus strand). Cytogenetic location: 21q22.3.
Variant type: single nucleotide variant.
Coding change: c.2148C>T on transcript NM_002340.6 (MANE Select); coding-DNA position 2148, C replaced by T.
Protein change: p.Leu716=; no amino-acid change (leucine 716 retained).
Molecular consequence: synonymous variant.
Genome position (GRCh38, 1-based): chr21:46,191,155, G>A on the plus strand (C>T on the coding strand, the complement: LSS is on the minus strand). VCF-style: chr21-46191155-G-A. GRCh37 (hg19) VCF-style: chr21-47611069-G-A.
Other names: c.2148C>T, p.Leu716= (NM_001001438.3); c.2115C>T, p.Leu705= (NM_001145436.2); c.1908C>T, p.Leu636= (NM_001145437.2); c.2148C>T (NM_001001438.2).
Identifiers: ClinVar variation 2904834 (VCV002904834.4), dbSNP rs372838581, ClinGen allele CA10074574.

ClinVar aggregate classification (germline): Likely benign. Review status: criteria provided, multiple submitters, no conflicts (2 of 4 stars). 2 submissions from 2 submitters: Likely benign (2). Last evaluated 2025-06-18.

Conditions:
LSS-related disorder. Also called: LSS-related condition.

Allele frequency attached by ClinVar (database versions not stated): gnomAD exomes 0.00003; ExAC 0.00004; ESP Exome Variant Server 0.00008.
gnomAD v4.1: 49 of 1,614,076 alleles (0.003%); highest among the groups gnomAD compares: East Asian, 0.0045%; no homozygotes.

Submissions (2):

PreventionGenetics, part of Exact Sciences
Classification: Likely benign for LSS-related condition. Last evaluated: 2025-06-18. Review status: criteria provided, single submitter. Criteria: ACMG Guidelines, 2015. Collection method: clinical testing. Allele origin: germline.
Comment: This variant is classified as likely benign based on ACMG/AMP sequence variant interpretation guidelines (Richards et al. 2015 PMID: 25741868, with internal and published modifications).

Labcorp Genetics (formerly Invitae), Labcorp
Classification: Likely benign. Last evaluated: 2023-07-30. Review status: criteria provided, single submitter. Criteria: Invitae Variant Classification Sherloc (09022015). Collection method: clinical testing. Allele origin: germline.